The following is an entry in ClinVar:

NM_000393.5(COL5A2):c.2086-23dup

Gene: COL5A2 (collagen type V alpha 2 chain; minus strand). Cytogenetic location: 2q32.2.
Variant type: Duplication.
Coding change: c.2086-23dup on transcript NM_000393.5 (MANE Select); 23 bases into the intron before coding-DNA position 2086, one base duplicated (A; older notation c.2086-23dupA).
Molecular consequence: intron variant.
Genome position (GRCh38, 1-based): chr2:189,058,905, T duplicated on the plus strand (A on the coding strand, the reverse complement: COL5A2 is on the minus strand); the first of 12 consecutive T bases (chr2:189,058,905-189,058,916); duplicating any one gives the same sequence. VCF-style (leftmost placement, unchanged base first): chr2-189058904-A-AT. GRCh37 (hg19) VCF-style: chr2-189923630-A-AT.
Identifiers: ClinVar variation 377039 (VCV000377039.12), dbSNP rs5837121, ClinGen allele CA2022449.
Genomic context (GRCh38, chr2:189,058,904, plus strand): 5'-CTTACTCTAGGTCCTAACGGGCCAACTGCTCCGGGATCTCCAGGAACACCCTATAAACAC[A>AT]TTTTTTTTTTTTAATGGAACAAGAGCTTTGAGTTTAGGCATTTATCAGAAAACTTTCCAG-3'

ClinVar aggregate classification (germline): Benign/Likely benign. Review status: criteria provided, multiple submitters, no conflicts (2 of 4 stars). 3 submissions from 3 submitters: Benign (2); Likely benign (1). Last evaluated 2026-01-25.

Conditions:
Ehlers-Danlos syndrome, classic type, 1 (EDSCL1). Also called: EHLERS-DANLOS SYNDROME, GRAVIS TYPE; EHLERS-DANLOS SYNDROME, SEVERE CLASSIC TYPE; Ehlers-Danlos syndrome, type 1; Ehlers-Danlos Syndrome, Classic Type, COL5A1-Related; EDS I. Identifiers: MedGen C0268335, MONDO:0019567, OMIM 130000.

Submissions (3):

Labcorp Genetics (formerly Invitae), Labcorp
Classification: Benign for Ehlers-Danlos syndrome, classic type, 1. Last evaluated: 2026-01-25. Review status: criteria provided, single submitter. Criteria: Invitae Variant Classification Sherloc (09022015). Collection method: clinical testing. Allele origin: germline.

Blueprint Genetics
Classification: Benign. Last evaluated: 2024-11-26. Review status: criteria provided, single submitter. Criteria: ACMG Guidelines, 2015. Collection method: clinical testing. Allele origin: germline.

Center for Pediatric Genomic Medicine, Children's Mercy Hospital and Clinics
Classification: Likely benign. Last evaluated: 2016-10-13. Review status: criteria provided, single submitter. Criteria: ACMG Guidelines, 2015. Collection method: clinical testing. Allele origin: germline.
ClinVar note: Converted during submission from Likely Benign to Likely benign.